The following is an entry in ClinVar:

ClinVar aggregate classification (germline): Benign/Likely benign. Review status: criteria provided, multiple submitters, no conflicts (2 of 4 stars). 9 submissions from 9 submitters: Benign (5); Likely benign (4). Last evaluated 2026-09-01.

Conditions:
Rubinstein-Taybi syndrome due to CREBBP mutations (RSTS1). Also called: RUBINSTEIN SYNDROME; CREBBP-Related Rubinstein-Taybi Syndrome; Rubinstein-Taybi syndrome 1; BROAD THUMB-HALLUX SYNDROME; BROAD THUMBS AND GREAT TOES, CHARACTERISTIC FACIES, AND IMPAIRED INTELLECTUAL DEVELOPMENT; RUBINSTEIN-TAYBI SYNDROME 1, INCOMPLETE. Identifiers: Orphanet 353277, Orphanet 783, MedGen C4551859, MONDO:0008393, OMIM 180849.
Menke-Hennekam syndrome 1 (MKHK1). Identifiers: MedGen C5193034, MONDO:0020763, OMIM 618332.
Rubinstein-Taybi syndrome (RSTS). Identifiers: Orphanet 783, MedGen C0035934, MONDO:0019188.
Inborn genetic diseases. Identifiers: MedGen C0950123, MeSH D030342.

Allele frequency attached by ClinVar (database versions not stated): 1000 Genomes Project 0.00100; 1000 Genomes Project 30x 0.00125; gnomAD 0.00223 and 0.00233; TOPMed 0.00258; ESP Exome Variant Server 0.00331.
gnomAD v4.1: 4,016 of 1,614,158 alleles (0.25%); highest among the groups gnomAD compares: Non-Finnish European, 0.3%; 9 homozygotes.

Submissions (9):

CeGaT Center for Human Genetics Tuebingen
Classification: Likely benign. Last evaluated: 2026-09-01. Review status: criteria provided, single submitter. Criteria: CeGaT Center For Human Genetics Tuebingen Variant Classification Criteria Version 2. Collection method: clinical testing. Allele origin: germline. Affected: yes. Observed: 45 variant alleles.
Comment: CREBBP: BP4, BP7, BS1

Labcorp Genetics (formerly Invitae), Labcorp
Classification: Benign for Rubinstein-Taybi syndrome. Last evaluated: 2026-02-03. Review status: criteria provided, single submitter. Criteria: Invitae Variant Classification Sherloc (09022015). Collection method: clinical testing. Allele origin: germline.

Blueprint Genetics
Classification: Likely benign. Last evaluated: 2024-11-23. Review status: criteria provided, single submitter. Criteria: ACMG Guidelines, 2015. Collection method: clinical testing. Allele origin: germline.

Fulgent Genetics
Classification: Benign for Rubinstein-Taybi syndrome due to CREBBP mutations; Menke-Hennekam syndrome 1. Last evaluated: 2021-07-20. Review status: criteria provided, single submitter. Criteria: ACMG Guidelines, 2015. Collection method: clinical testing. Allele origin: unknown.

GeneDx
Classification: Benign. Last evaluated: 2018-12-05. Review status: criteria provided, single submitter. Criteria: GeneDx Variant Classification Process June 2021. Collection method: clinical testing. Allele origin: germline. Affected: yes.

Ambry Genetics
Classification: Likely benign for Inborn genetic diseases. Last evaluated: 2016-11-08. Review status: criteria provided, single submitter. Criteria: Ambry Variant Classification Scheme 2023. Collection method: clinical testing. Allele origin: germline.

Eurofins Ntd Llc (ga)
Classification: Benign. Last evaluated: 2013-06-28. Review status: criteria provided, single submitter. Criteria: EGL Classification Definitions 2015. Collection method: clinical testing. Allele origin: germline. Observed: 1 variant allele, 1 heterozygote.

Genetic Services Laboratory, University of Chicago
Classification: Benign. Last evaluated: 2013-02-08. Review status: criteria provided, single submitter. Criteria: ACMG Guidelines, 2007. Collection method: clinical testing. Allele origin: germline. Inheritance: Autosomal dominant inheritance.

Breakthrough Genomics
Classification: Likely benign. Review status: criteria provided, single submitter. Criteria: ACMG Guidelines, 2015. Collection method: not provided. Allele origin: germline. Inheritance: Autosomal dominant inheritance. Affected: yes.

Literature cited by the submitters: PubMed 12114483 (cited by Ambry Genetics).

NM_004380.3(CREBBP):c.2973C>T (p.Asp991=)

Gene: CREBBP (CREB binding lysine acetyltransferase; minus strand). Cytogenetic location: 16p13.3.
Variant type: single nucleotide variant.
Coding change: c.2973C>T on transcript NM_004380.3 (MANE Select); coding-DNA position 2973, C replaced by T.
Protein change: p.Asp991=; no amino-acid change (aspartic acid 991 retained).
Molecular consequence: synonymous variant.
Genome position (GRCh38, 1-based): chr16:3,769,261, G>A on the plus strand (C>T on the coding strand, the complement: CREBBP is on the minus strand). VCF-style: chr16-3769261-G-A. GRCh37 (hg19) VCF-style: chr16-3819262-G-A.
Other names: c.2859C>T, p.Asp953= (NM_001079846.1).
Identifiers: ClinVar variation 95039 (VCV000095039.59), dbSNP rs142528559, ClinGen allele CA148115.